The following is an entry in ClinVar:

ClinVar aggregate classification (germline): Pathogenic (1 of 4 stars; one submission).

Conditions:
Alstrom syndrome (ALMS). Identifiers: Orphanet 64, MedGen C0268425, MONDO:0008763, OMIM 203800.

Submission:

Labcorp Genetics (formerly Invitae), Labcorp
Classification: Pathogenic for Alstrom syndrome. Last evaluated: 2022-12-06. Review status: criteria provided, single submitter. Criteria: Invitae Variant Classification Sherloc (09022015). Collection method: clinical testing. Allele origin: germline.
Comment: This premature translational stop signal has been observed in individual(s) with ALMS1-related conditions (PMID: 25846608). This variant is not present in population databases (gnomAD no frequency). This sequence change creates a premature translational stop signal (p.Ser903*) in the ALMS1 gene. It is expected to result in an absent or disrupted protein product. Loss-of-function variants in ALMS1 are known to be pathogenic (PMID: 17594715). For these reasons, this variant has been classified as Pathogenic.

Literature cited by the submitters: PubMed 25846608; PubMed 17594715.

NM_001378454.1(ALMS1):c.2705C>G (p.Ser902Ter)

Gene: ALMS1 (ALMS1 centrosome and basal body associated protein; plus strand). Cytogenetic location: 2p13.1.
Variant type: single nucleotide variant.
Coding change: c.2705C>G on transcript NM_001378454.1 (MANE Select); coding-DNA position 2705, C replaced by G.
Protein change: p.Ser902Ter; replaces serine 902 with a stop codon.
Molecular consequence: nonsense.
Genome position (GRCh38, 1-based): chr2:73,449,232, C>G. VCF-style: chr2-73449232-C-G. GRCh37 (hg19) VCF-style: chr2-73676359-C-G.
Other names: c.2708C>G, p.Ser903Ter (NM_015120.4); short protein forms S902*, S903*.
Identifiers: ClinVar variation 2734223 (VCV002734223.3), dbSNP rs2466095459, ClinGen allele CA347271384.